The following is an entry in ClinVar:

NM_025137.4(SPG11):c.4043dup (p.Phe1349fs)

Gene: SPG11 (SPG11 vesicle trafficking associated, spatacsin; minus strand). Cytogenetic location: 15q21.1.
Variant type: Duplication.
Coding change: c.4043dup on transcript NM_025137.4 (MANE Select); coding-DNA position 4043, one base duplicated (A; older notation c.4043dupA).
Protein change: p.Phe1349fs; shifts the reading frame from phenylalanine 1349.
Molecular consequence: frameshift variant.
Genome position (GRCh38, 1-based): chr15:44,596,902, T duplicated on the plus strand (A on the coding strand, the reverse complement: SPG11 is on the minus strand). VCF-style (leftmost placement, unchanged base first): chr15-44596901-C-CT. GRCh37 (hg19) VCF-style: chr15-44889099-C-CT.
Other names: c.4043dup, p.Phe1349fs (NM_001160227.2); short protein forms F1349fs.
Identifiers: ClinVar variation 848106 (VCV000848106.4), dbSNP rs2083058016, ClinGen allele CA916083421.

ClinVar aggregate classification (germline): Pathogenic (1 of 4 stars; one submission).

Conditions:
Hereditary spastic paraplegia 11. Also called: Nakamura Osame syndrome; Autosomal recessive hereditary spastic paraplegia, mental impairment, and thin corpus callosum; SPASTIC PARAPLEGIA, AUTOSOMAL RECESSIVE, COMPLICATED, WITH THIN CORPUS CALLOSUM; SPASTIC PARAPLEGIA, AUTOSOMAL RECESSIVE, WITH MENTAL IMPAIRMENT AND THIN CORPUS CALLOSUM; Spastic paraplegia, mental retardation and thin corpus callosum; Spastic Paraplegia 11. Identifiers: Orphanet 2822, MedGen C1858479, MONDO:0011445, OMIM 604360.

Allele frequency attached by ClinVar (database versions not stated): gnomAD exomes below 0.00001.

Submission:

Labcorp Genetics (formerly Invitae), Labcorp
Classification: Pathogenic for Hereditary spastic paraplegia 11. Last evaluated: 2023-10-17. Review status: criteria provided, single submitter. Criteria: Invitae Variant Classification Sherloc (09022015). Collection method: clinical testing. Allele origin: germline.
Comment: This sequence change creates a premature translational stop signal (p.Phe1349Valfs*15) in the SPG11 gene. It is expected to result in an absent or disrupted protein product. Loss-of-function variants in SPG11 are known to be pathogenic (PMID: 19105190, 20110243, 22154821, 26556829). This variant is not present in population databases (gnomAD no frequency). This variant has not been reported in the literature in individuals affected with SPG11-related conditions. ClinVar contains an entry for this variant (Variation ID: 848106). For these reasons, this variant has been classified as Pathogenic.

Literature cited by the submitters: PubMed 19105190; PubMed 20110243; PubMed 22154821; PubMed 26556829.